The following is an entry in ClinVar:

ClinVar aggregate classification (germline): Likely pathogenic (1 of 4 stars; one submission).

Submission:

GeneDx
Classification: Likely pathogenic. Last evaluated: 2023-01-19. Review status: criteria provided, single submitter. Criteria: GeneDx Variant Classification Process June 2021. Collection method: clinical testing. Allele origin: germline. Affected: yes.
Comment: Not observed at significant frequency in large population cohorts (gnomAD); In silico analysis supports that this missense variant has a deleterious effect on protein structure/function; This variant is associated with the following publications: (PMID: 30919572)

NM_020435.4(GJC2):c.791A>G (p.Lys264Arg)

Gene: GJC2 (gap junction protein gamma 2; plus strand). Cytogenetic location: 1q42.13.
Variant type: single nucleotide variant.
Coding change: c.791A>G on transcript NM_020435.4 (MANE Select); coding-DNA position 791, A replaced by G.
Protein change: p.Lys264Arg; replaces lysine 264 with arginine.
Molecular consequence: missense variant.
Genome position (GRCh38, 1-based): chr1:228,158,549, A>G. VCF-style: chr1-228158549-A-G. GRCh37 (hg19) VCF-style: chr1-228346250-A-G.
Other names: short protein forms K264R.
Identifiers: ClinVar variation 384547 (VCV000384547.4), dbSNP rs1057521990, ClinGen allele CA16603504.